The following is an entry in ClinVar:

NM_005751.5(AKAP9):c.11477C>A (p.Pro3826Gln)

Gene: AKAP9 (A-kinase anchoring protein 9; plus strand). Cytogenetic location: 7q21.2.
Variant type: single nucleotide variant.
Coding change: c.11477C>A on transcript NM_005751.5 (MANE Select); coding-DNA position 11477, C replaced by A.
Protein change: p.Pro3826Gln; replaces proline 3826 with glutamine.
Molecular consequence: missense variant.
Genome position (GRCh38, 1-based): chr7:92,107,353, C>A. VCF-style: chr7-92107353-C-A. GRCh37 (hg19) VCF-style: chr7-91736667-C-A.
Other names: c.6122C>A, p.Pro2041Gln (NM_001379277.1); c.11453C>A, p.Pro3818Gln (NM_147185.3); short protein forms P2041Q, P3818Q, P3826Q.
Identifiers: ClinVar variation 4842375 (VCV004842375.1).

ClinVar aggregate classification (germline): Uncertain significance (1 of 4 stars; one submission).

Conditions:
Cardiovascular phenotype. Identifiers: MedGen CN230736.

Submission:

Ambry Genetics
Classification: Uncertain significance for Cardiovascular phenotype. Last evaluated: 2025-12-16. Review status: criteria provided, single submitter. Criteria: Ambry Variant Classification Scheme 2023. Collection method: clinical testing. Allele origin: germline.
Comment: The p.P3826Q variant (also known as c.11477C>A), located in coding exon 48 of the AKAP9 gene, results from a C to A substitution at nucleotide position 11477. The proline at codon 3826 is replaced by glutamine, an amino acid with similar properties. This amino acid position is conserved. In addition, this alteration is predicted to be tolerated by in silico analysis. Based on the available evidence, the clinical significance of this variant remains unclear.